The following is an entry in ClinVar:

ClinVar aggregate classification (germline): Likely benign. Review status: criteria provided, multiple submitters, no conflicts (2 of 4 stars). 2 submissions from 2 submitters: Likely benign (2). Last evaluated 2025-06-11.

Conditions:
Malignant hyperthermia, susceptibility to, 1 (MHS1). Also called: Malignant hyperthermia suceptibility 1; Anesthesia related hyperthermia; Malignant hyperpyrexia; Fulminating hyperpyrexia; Pharmacogenic myopathy; RYR1-Related Malignant Hyperthermia Susceptibility. Identifiers: Orphanet 423, MedGen C2930980, MONDO:0007783, OMIM 145600.
RYR1-related disorder. Also called: RYR1-related disorders; RYR1-related condition. Identifiers: MedGen CN239331.

gnomAD v4.1: 2 of 1,614,062 alleles (0.00012%); highest among the groups gnomAD compares: African/African-American, 0.0013%; no homozygotes.

Submissions (2):

Labcorp Genetics (formerly Invitae), Labcorp
Classification: Likely benign for RYR1-related disorder. Last evaluated: 2025-06-11. Review status: criteria provided, single submitter. Criteria: Invitae Variant Classification Sherloc (09022015). Collection method: clinical testing. Allele origin: germline.

All of Us Research Program, National Institutes of Health
Classification: Likely benign for Malignant hyperthermia, susceptibility to, 1. Last evaluated: 2023-07-10. Review status: criteria provided, single submitter. Criteria: ACMG Guidelines, 2015. Collection method: clinical testing. Allele origin: germline. Inheritance: Autosomal dominant inheritance. Observed: 1 variant allele, 1 heterozygote.
Comment: This study involves interpretation of variants in research participants for the purpose of population health screening. Participant phenotype was not available at the time of variant classification. Additional details can be found in publication PMID: 35346344, PMCID: PMC8962531

NM_000540.3(RYR1):c.8655G>A (p.Thr2885=)

Gene: RYR1 (ryanodine receptor 1; plus strand). Cytogenetic location: 19q13.2.
Variant type: single nucleotide variant.
Coding change: c.8655G>A on transcript NM_000540.3 (MANE Select); coding-DNA position 8655, G replaced by A.
Protein change: p.Thr2885=; no amino-acid change (threonine 2885 retained).
Molecular consequence: synonymous variant.
Genome position (GRCh38, 1-based): chr19:38,506,509, G>A. VCF-style: chr19-38506509-G-A. GRCh37 (hg19) VCF-style: chr19-38997149-G-A.
Other names: c.8655G>A, p.Thr2885= (NM_001042723.2).
Identifiers: ClinVar variation 1561442 (VCV001561442.9), dbSNP rs1970457923, ClinGen allele CA083479.
Genomic context (GRCh38, chr19:38,506,509, plus strand): 5'-TTGACTCTGCATCCACTCCCAGGCCATGGCAGAACAACTGGCAGAAAATTACCACAACAC[G>A]TGGGGACGGAAGAAGAAGCAGGAGCTGGAAGCCAAAGGTGAGGGCGCCCATGCCGCCCCC-3'
Protein context (NP_000531.2, residues 2875-2895): AEQLAENYHN[Thr2885=]WGRKKKQELE